The following is an entry in ClinVar:

NM_000799.4(EPO):c.-136G>A

Gene: EPO (erythropoietin; plus strand). Cytogenetic location: 7q22.1.
Variant type: single nucleotide variant.
Coding change: c.-136G>A on transcript NM_000799.4 (MANE Select); 136 bases upstream of the start codon, G replaced by A.
Molecular consequence: 5 prime UTR variant.
Genome position (GRCh38, 1-based): chr7:100,720,845, G>A. VCF-style: chr7-100720845-G-A. GRCh37 (hg19) VCF-style: chr7-100318468-G-A.
Identifiers: ClinVar variation 3353367 (VCV003353367.1).

ClinVar aggregate classification (germline): Uncertain significance (0 of 4 stars; one submission).

Conditions:
EPO-related disorder. Also called: EPO-related condition.

Submission:

PreventionGenetics, part of Exact Sciences
Classification: Uncertain significance for EPO-related condition. Last evaluated: 2024-09-18. Review status: no assertion criteria provided. Collection method: clinical testing. Allele origin: germline.
Comment: The EPO c.-136G>A variant is located in the 5' untranslated region. This variant was reported in an individual with erythrocytosis (Taylor et al 2015. PubMed ID: 25985138). This variant has not been reported in a large population database, indicating this variant is rare. At this time, the clinical significance of this variant is uncertain due to the absence of conclusive functional and genetic evidence.